The following is an entry in ClinVar:

ClinVar aggregate classification (germline): Uncertain significance. Review status: criteria provided, multiple submitters, no conflicts (2 of 4 stars). 2 submissions from 2 submitters: Uncertain significance (2). Last evaluated 2025-09-23.

Conditions:
Capillary malformation-arteriovenous malformation syndrome. Also called: Capillary malformation-arteriovenous malformation. Identifiers: Orphanet 137667, MedGen C1842180, MONDO:0012016.
Cardiovascular phenotype. Identifiers: MedGen CN230736.

Allele frequency attached by ClinVar (database versions not stated): TOPMed below 0.00001; gnomAD 0.00001.

Submissions (2):

Labcorp Genetics (formerly Invitae), Labcorp
Classification: Uncertain significance for Capillary malformation-arteriovenous malformation syndrome. Last evaluated: 2025-09-23. Review status: criteria provided, single submitter. Criteria: Invitae Variant Classification Sherloc (09022015). Collection method: clinical testing. Allele origin: germline.
Comment: This sequence change replaces threonine, which is neutral and polar, with isoleucine, which is neutral and non-polar, at codon 657 of the RASA1 protein (p.Thr657Ile). This variant is not present in population databases (gnomAD no frequency). This variant has not been reported in the literature in individuals affected with RASA1-related conditions. ClinVar contains an entry for this variant (Variation ID: 837742). An algorithm developed to predict the effect of missense changes on protein structure and function (PolyPhen-2) suggests that this variant is likely to be tolerated. In summary, the available evidence is currently insufficient to determine the role of this variant in disease. Therefore, it has been classified as a Variant of Uncertain Significance.

Ambry Genetics
Classification: Uncertain significance for Cardiovascular phenotype. Last evaluated: 2025-08-30. Review status: criteria provided, single submitter. Criteria: Ambry Variant Classification Scheme 2023. Collection method: clinical testing. Allele origin: germline.
Comment: The p.T657I variant (also known as c.1970C>T), located in coding exon 15 of the RASA1 gene, results from a C to T substitution at nucleotide position 1970. The threonine at codon 657 is replaced by isoleucine, an amino acid with similar properties. This amino acid position is conserved. In addition, this alteration is predicted to be tolerated by in silico analysis. Based on the available evidence, the clinical significance of this variant remains unclear.

NM_002890.3(RASA1):c.1970C>T (p.Thr657Ile)

Genes: CCNH (cyclin H; minus strand), RASA1 (RAS p21 protein activator 1; plus strand). Cytogenetic location: 5q14.3.
Variant type: single nucleotide variant.
Coding change: c.1970C>T on transcript NM_002890.3 (MANE Select); coding-DNA position 1970, C replaced by T.
Protein change: p.Thr657Ile; replaces threonine 657 with isoleucine.
Molecular consequence: missense variant. On other transcripts: intron variant (1).
Genome position (GRCh38, 1-based): chr5:87,374,875, C>T. VCF-style: chr5-87374875-C-T. GRCh37 (hg19) VCF-style: chr5-86670692-C-T.
Other names: c.1439C>T, p.Thr480Ile (NM_022650.3); c.933+20169G>A (NM_001364075.2); short protein forms T480I, T657I.
Identifiers: ClinVar variation 837742 (VCV000837742.11), dbSNP rs1206604314, ClinGen allele CA360376185.